The following is an entry in ClinVar:

ClinVar aggregate classification (germline): Uncertain significance (1 of 4 stars; one submission).

Submission:

GeneDx
Classification: Uncertain significance. Last evaluated: 2022-12-27. Review status: criteria provided, single submitter. Criteria: GeneDx Variant Classification Process June 2021. Collection method: clinical testing. Allele origin: germline. Affected: yes.
Comment: Not observed at significant frequency in large population cohorts (gnomAD); In silico analysis supports that this missense variant does not alter protein structure/function; Has not been previously published as pathogenic or benign to our knowledge

NM_001378418.1(TCF20):c.1368G>T (p.Leu456Phe)

Gene: TCF20 (transcription factor 20; minus strand). Cytogenetic location: 22q13.2.
Variant type: single nucleotide variant.
Coding change: c.1368G>T on transcript NM_001378418.1 (MANE Select); coding-DNA position 1368, G replaced by T.
Protein change: p.Leu456Phe; replaces leucine 456 with phenylalanine.
Molecular consequence: missense variant.
Genome position (GRCh38, 1-based): chr22:42,213,938, C>A on the plus strand (G>T on the coding strand, the complement: TCF20 is on the minus strand). VCF-style: chr22-42213938-C-A. GRCh37 (hg19) VCF-style: chr22-42609944-C-A.
Other names: c.1368G>T, p.Leu456Phe (NM_005650.4, NM_181492.3); short protein forms L456F.
Identifiers: ClinVar variation 1810148 (VCV001810148.1), dbSNP rs2518236941, ClinGen allele CA411790966.